The following is an entry in ClinVar:

ClinVar aggregate classification (germline): Likely pathogenic. Review status: criteria provided, single submitter (1 of 4 stars). 2 submissions from 2 submitters: Likely pathogenic (1). 1 of the submissions does not count toward it. Last evaluated 2025-05-19.

Conditions:
Phenylketonuria (PKU). Also called: Phenylketonurias; OLIGOPHRENIA PHENYLPYRUVICA; FOLLING DISEASE; Phenylketonuria (PKU). Identifiers: Orphanet 716, MedGen C0031485, MONDO:0009861, OMIM 261600. Disease mechanism: loss of function.

Submissions (2):

3billion
Classification: Likely pathogenic for Phenylketonuria. Last evaluated: 2025-05-19. Review status: criteria provided, single submitter. Criteria: ACMG Guidelines, 2015. Collection method: clinical testing. Allele origin: germline. Affected: yes.
Comment: The variant is not observed in the gnomAD v4.1.0 dataset. Predicted Consequence/Location: Intron variant: previously reported to alter splicing (PMID: 36849017). In silico tools predict the variant to alter splicing and produce an abnormal transcript [SpliceAI: 0.30 (spliceogenicity >=0.2, non-spliceogenicity <0.1)]. Intron variant: previously reported to alter splicing (PMID: 36849017). Therefore, this variant is classified as Likely pathogenic according to the recommendation of ACMG/AMP guideline.

Gansu Provincial Maternity and Child Care Hospital
Classification: Likely pathogenic for Phenylketonuria. Review status: no assertion criteria provided. Collection method: clinical testing. Allele origin: paternal. Inheritance: Autosomal recessive inheritance. Affected: yes. Observed: 2 variant alleles, 1 heterozygote, 1 compound heterozygote. Not counted in ClinVar's aggregate classification.

Literature cited by the submitters: PubMed 36849017 (cited by 3billion).

NM_000277.3(PAH):c.706+531T>C

Gene: PAH (phenylalanine hydroxylase; minus strand). Cytogenetic location: 12q23.2.
Variant type: single nucleotide variant.
Coding change: c.706+531T>C on transcript NM_000277.3 (MANE Select); 531 bases into the intron after coding-DNA position 706, T replaced by C.
Molecular consequence: intron variant.
Genome position (GRCh38, 1-based): chr12:102,854,605, A>G on the plus strand (T>C on the coding strand, the complement: PAH is on the minus strand). VCF-style: chr12-102854605-A-G. GRCh37 (hg19) VCF-style: chr12-103248383-A-G.
Other names: c.706+531T>C (NM_001354304.2).
Identifiers: ClinVar variation 1801225 (VCV001801225.4), dbSNP rs2499625095, ClinGen allele CA2580085706.